The following is an entry in ClinVar:

ClinVar aggregate classification (germline): Likely benign. Review status: criteria provided, multiple submitters, no conflicts (2 of 4 stars). 4 submissions from 4 submitters: Likely benign (4). Last evaluated 2025-06-16.

Conditions:
Cardiovascular phenotype. Identifiers: MedGen CN230736.
Catecholaminergic polymorphic ventricular tachycardia (CVPT). Also called: Catecholamine-induced polymorphic ventricular tachycardia. Identifiers: Orphanet 3286, MedGen C5574922, MONDO:0017990.
Cardiomyopathy (CMYO). Also called: Cardiomyopathies. Identifiers: Orphanet 167848, MedGen C0878544, MONDO:0004994, HP:0001638. Inheritance: Various modes of inheritance.
Catecholaminergic polymorphic ventricular tachycardia 1. Also called: VENTRICULAR TACHYCARDIA, CATECHOLAMINERGIC POLYMORPHIC, 1, WITH OR WITHOUT ATRIAL DYSFUNCTION AND/OR DILATED CARDIOMYOPATHY; RYR2-Related Catecholaminergic Polymorphic Ventricular Tachycardia; VENTRICULAR TACHYCARDIA, STRESS-INDUCED POLYMORPHIC 1. Identifiers: Orphanet 3286, MedGen C1631597, MONDO:0011484, OMIM 604772.

Allele frequency attached by ClinVar (database versions not stated): gnomAD exomes below 0.00001 and 0.00001; TOPMed below 0.00001; ExAC 0.00001; gnomAD 0.00001.
gnomAD v4.1: 6 of 1,613,560 alleles (0.00037%); highest among the groups gnomAD compares: African/African-American, 0.008%; no homozygotes.

Submissions (4):

Labcorp Genetics (formerly Invitae), Labcorp
Classification: Likely benign for Catecholaminergic polymorphic ventricular tachycardia 1. Last evaluated: 2025-06-16. Review status: criteria provided, single submitter. Criteria: Invitae Variant Classification Sherloc (09022015). Collection method: clinical testing. Allele origin: germline.

All of Us Research Program, National Institutes of Health
Classification: Likely benign for Catecholaminergic polymorphic ventricular tachycardia. Last evaluated: 2023-11-20. Review status: criteria provided, single submitter. Criteria: ACMG Guidelines, 2015. Collection method: clinical testing. Allele origin: germline. Inheritance: Autosomal dominant inheritance. Observed: 1 variant allele, 1 heterozygote.
Comment: This study involves interpretation of variants in research participants for the purpose of population health screening. Participant phenotype was not available at the time of variant classification. Additional details can be found in publication PMID: 35346344, PMCID: PMC8962531

Ambry Genetics
Classification: Likely benign for Cardiovascular phenotype. Last evaluated: 2023-07-27. Review status: criteria provided, single submitter. Criteria: Ambry Variant Classification Scheme 2023. Collection method: clinical testing. Allele origin: germline.

Color Diagnostics, LLC DBA Color Health
Classification: Likely benign for Cardiomyopathy. Last evaluated: 2022-11-06. Review status: criteria provided, single submitter. Criteria: ACMG Guidelines, 2015. Collection method: clinical testing. Allele origin: germline.

NM_001035.3(RYR2):c.12927T>A (p.Ile4309=)

Genes: RYR2 (ryanodine receptor 2; plus strand), LOC126806068 (BRD4-independent group 4 enhancer GRCh37_chr1:237947411-237948610; plus strand). Cytogenetic location: 1q43.
Variant type: single nucleotide variant.
Coding change: c.12927T>A on transcript NM_001035.3 (MANE Select); coding-DNA position 12927, T replaced by A.
Protein change: p.Ile4309=; no amino-acid change (isoleucine 4309 retained).
Molecular consequence: synonymous variant.
Genome position (GRCh38, 1-based): chr1:237,784,639, T>A. VCF-style: chr1-237784639-T-A. GRCh37 (hg19) VCF-style: chr1-237947939-T-A.
Other names: c.12927T>A (NM_001035.2).
Identifiers: ClinVar variation 1094121 (VCV001094121.12), dbSNP rs777132279, ClinGen allele CA066832.